The following is an entry in ClinVar:

NM_203475.3(PORCN):c.1076dup (p.Tyr359Ter)

Gene: PORCN (porcupine O-acyltransferase; plus strand). Cytogenetic location: Xp11.23.
Variant type: Duplication.
Coding change: c.1076dup on transcript NM_203475.3 (MANE Select); coding-DNA position 1076, one base duplicated (A; older notation c.1076dupA).
Protein change: p.Tyr359Ter; replaces tyrosine 359 with a stop codon.
Molecular consequence: nonsense.
Genome position (GRCh38, 1-based): chrX:48,515,942, A duplicated. VCF-style (leftmost placement, unchanged base first): chrX-48515941-T-TA. GRCh37 (hg19) VCF-style: chrX-48374329-T-TA.
Other names: c.830dup, p.Tyr277Ter (NM_001282167.2); c.1043dup, p.Tyr348Ter (NM_022825.4); c.1061dup, p.Tyr354Ter (NM_203473.3); c.1058dup, p.Tyr353Ter (NM_203474.1); short protein forms Y277*, Y348*, Y353*, Y354*, Y359*.
Identifiers: ClinVar variation 2671905 (VCV002671905.3), dbSNP rs2519481642, ClinGen allele CA2695200192.

ClinVar aggregate classification (germline): Pathogenic. Review status: criteria provided, multiple submitters, no conflicts (2 of 4 stars). 2 submissions from 2 submitters: Pathogenic (2). Last evaluated 2024-02-14.

Conditions:
Focal dermal hypoplasia (FDH). Also called: Goltz syndrome. Identifiers: Orphanet 2092, MedGen C0016395, MONDO:0010592, OMIM 305600.

Submissions (2):

Labcorp Genetics (formerly Invitae), Labcorp
Classification: Pathogenic. Last evaluated: 2024-02-14. Review status: criteria provided, single submitter. Criteria: Invitae Variant Classification Sherloc (09022015). Collection method: clinical testing. Allele origin: germline.
Comment: This sequence change creates a premature translational stop signal (p.Tyr359*) in the PORCN gene. It is expected to result in an absent or disrupted protein product. Loss-of-function variants in PORCN are known to be pathogenic (PMID: 17546030, 19309688). This variant is not present in population databases (gnomAD no frequency). This premature translational stop signal has been observed in individual(s) with focal dermal hypoplasia (PMID: 20854095). For these reasons, this variant has been classified as Pathogenic.

Baylor Genetics
Classification: Pathogenic for Focal dermal hypoplasia. Last evaluated: 2023-10-27. Review status: criteria provided, single submitter. Criteria: ACMG Guidelines, 2015. Collection method: clinical testing. Allele origin: unknown.

Literature cited by the submitters: PubMed 17546030 (cited by Labcorp Genetics (formerly Invitae), Labcorp); PubMed 19309688 (cited by Labcorp Genetics (formerly Invitae), Labcorp); PubMed 20854095 (cited by Labcorp Genetics (formerly Invitae), Labcorp).